The following is an entry in ClinVar:

NM_000722.4(CACNA2D1):c.1796+4A>G

Gene: CACNA2D1 (calcium voltage-gated channel auxiliary subunit alpha2delta 1; minus strand). Cytogenetic location: 7q21.11.
Variant type: single nucleotide variant.
Coding change: c.1796+4A>G on transcript NM_000722.4 (MANE Select); 4 bases into the intron after coding-DNA position 1796, A replaced by G.
Molecular consequence: intron variant.
Genome position (GRCh38, 1-based): chr7:81,991,181, T>C on the plus strand (A>G on the coding strand, the complement: CACNA2D1 is on the minus strand). VCF-style: chr7-81991181-T-C. GRCh37 (hg19) VCF-style: chr7-81620497-T-C.
Other names: c.1853+4A>G (NM_001366867.1).
Identifiers: ClinVar variation 1984633 (VCV001984633.4), dbSNP rs1002391339, ClinGen allele CA161120800.
Genomic context (GRCh38, chr7:81,991,181, plus strand): 5'-TGAAAATGCAGACTTAATATTAATCCATTGGAATACACAATACACATAAAATACAGTTAA[T>C]TACCTGTAATCTGTGCCATTGACAGGTGTCCATGTGTATGTCCTGTTTCCTTTGTCAATA-3'

ClinVar aggregate classification (germline): Uncertain significance (1 of 4 stars; one submission).

Conditions:
Brugada syndrome. Also called: Sudden unexplained nocturnal death syndrome; Sudden unexpected nocturnal death syndrome; Sudden Unexplained Death Syndrome; Sudden Unexplained Nocturnal Death Syndrome (SUNDS). Identifiers: Orphanet 130, MedGen C1142166, MONDO:0015263.

Allele frequency attached by ClinVar (database versions not stated): gnomAD 0.00001; TOPMed 0.00001.

Submission:

Labcorp Genetics (formerly Invitae), Labcorp
Classification: Uncertain significance for Brugada syndrome. Last evaluated: 2024-02-07. Review status: criteria provided, single submitter. Criteria: Invitae Variant Classification Sherloc (09022015). Collection method: clinical testing. Allele origin: germline.
Comment: This sequence change falls in intron 21 of the CACNA2D1 gene. It does not directly change the encoded amino acid sequence of the CACNA2D1 protein. It affects a nucleotide within the consensus splice site. This variant is not present in population databases (gnomAD no frequency). This variant has not been reported in the literature in individuals affected with CACNA2D1-related conditions. ClinVar contains an entry for this variant (Variation ID: 1984633). Variants that disrupt the consensus splice site are a relatively common cause of aberrant splicing (PMID: 17576681, 9536098). Algorithms developed to predict the effect of sequence changes on RNA splicing suggest that this variant is not likely to affect RNA splicing. In summary, the available evidence is currently insufficient to determine the role of this variant in disease. Therefore, it has been classified as a Variant of Uncertain Significance.

Literature cited by the submitters: PubMed 17576681; PubMed 9536098.